The following is an entry in ClinVar:

NM_000548.5(TSC2):c.4974G>A (p.Lys1658=)

Gene: TSC2 (TSC complex subunit 2; plus strand). Cytogenetic location: 16p13.3.
Variant type: single nucleotide variant.
Coding change: c.4974G>A on transcript NM_000548.5 (MANE Select); coding-DNA position 4974, G replaced by A.
Protein change: p.Lys1658=; no amino-acid change (lysine 1658 retained).
Molecular consequence: synonymous variant.
Genome position (GRCh38, 1-based): chr16:2,086,856, G>A. VCF-style: chr16-2086856-G-A. GRCh37 (hg19) VCF-style: chr16-2136857-G-A.
Other names: c.4905G>A, p.Lys1635= (NM_001114382.3); c.4665G>A, p.Lys1555= (NM_001318827.2); c.4629G>A, p.Lys1543= (NM_001318829.2); c.4242G>A, p.Lys1414= (NM_001318831.2); c.4806G>A, p.Lys1602= (NM_001318832.2); c.4776G>A, p.Lys1592= (NM_001363528.2); c.4842G>A, p.Lys1614= (NM_001370404.1); c.4845G>A, p.Lys1615= (NM_001370405.1, NM_021055.3); and 1 more.
Identifiers: ClinVar variation 49990 (VCV000049990.13), dbSNP rs45511393, ClinGen allele CA021423.

ClinVar aggregate classification (germline): Benign/Likely benign. Review status: criteria provided, multiple submitters, no conflicts (2 of 4 stars). 4 submissions from 4 submitters: Benign (1); Likely benign (2). 1 of the submissions does not count toward it. Last evaluated 2025-07-21.

Conditions:
Tuberous sclerosis 2 (TSC2). Identifiers: Orphanet 805, MedGen C1860707, MONDO:0013199, OMIM 613254.
Hereditary cancer-predisposing syndrome. Also called: Neoplastic Syndromes, Hereditary; Tumor predisposition; Hereditary Cancer Syndrome; Hereditary neoplastic syndrome. Identifiers: Orphanet 140162, MedGen C0027672, MeSH D009386, MONDO:0015356.
Tuberous sclerosis syndrome (TSC). Also called: Tuberous Sclerosis Complex; Tuberous sclerosis. Identifiers: Orphanet 805, MedGen C0041341, MONDO:0001734.

Allele frequency attached by ClinVar (database versions not stated): gnomAD exomes below 0.00001.
gnomAD v4.1: 1 of 1,595,956 alleles (0.000063%); highest among the groups gnomAD compares: Non-Finnish European, 0.000085%; no homozygotes.

Submissions (4):

Labcorp Genetics (formerly Invitae), Labcorp
Classification: Likely benign for Tuberous sclerosis 2. Last evaluated: 2025-07-21. Review status: criteria provided, single submitter. Criteria: Invitae Variant Classification Sherloc (09022015). Collection method: clinical testing. Allele origin: germline.

Myriad Genetics, Inc.
Classification: Benign for Tuberous sclerosis 2. Last evaluated: 2025-06-05. Review status: criteria provided, single submitter. Criteria: Myriad Autosomal Dominant, Autosomal Recessive and X-Linked Classification Criteria (2023). Collection method: clinical testing. Allele origin: unknown.
Comment: This variant is considered benign. This variant is a silent/synonymous amino acid change and it is not expected to impact splicing.

Ambry Genetics
Classification: Likely benign for Hereditary cancer-predisposing syndrome. Last evaluated: 2021-06-09. Review status: criteria provided, single submitter. Criteria: Ambry Variant Classification Scheme 2023. Collection method: clinical testing. Allele origin: germline.

Tuberous sclerosis database (TSC2)
No classification provided. Condition: TSC. Review status: no classification provided. Criteria: Tuberous Sclerosis Database Assertion Criteria 2015. Collection method: curation. Allele origin: germline. Affected: yes. Not counted in ClinVar's aggregate classification.